The following is an entry in ClinVar:

NM_001159699.2(FHL1):c.737-9T>C

Gene: FHL1 (four and a half LIM domains 1; plus strand). Cytogenetic location: Xq26.3.
Variant type: single nucleotide variant.
Coding change: c.737-9T>C on transcript NM_001159699.2 (MANE Select); 9 bases into the intron before coding-DNA position 737, T replaced by C.
Molecular consequence: intron variant.
Genome position (GRCh38, 1-based): chrX:136,209,862, T>C. VCF-style: chrX-136209862-T-C. GRCh37 (hg19) VCF-style: chrX-135292021-T-C.
Other names: p.?; c.889-9T>C (NM_001159702.3, NM_001369326.1, NM_001369327.2 and 1 more transcripts); c.689-9T>C (NM_001449.5, NM_001369329.1, NM_001369330.1 and 4 more transcripts); c.502-9T>C (NM_001159703.2); c.776-9T>C (NM_001159701.2); c.550-9T>C (NM_001330659.2).
Identifiers: ClinVar variation 391549 (VCV000391549.18), dbSNP rs914754937, ClinGen allele CA10525114.

ClinVar aggregate classification (germline): Benign/Likely benign. Review status: criteria provided, multiple submitters, no conflicts (2 of 4 stars). 5 submissions from 5 submitters: Benign (1); Likely benign (4). Last evaluated 2026-06-16.

Conditions:
X-linked myopathy with postural muscle atrophy. Also called: FHL1-Related Emery-Dreifuss Muscular Dystrophy, X-Linked. Identifiers: Orphanet 178461, MedGen C2678055, MONDO:0010401, OMIM 300696.

Allele frequency attached by ClinVar (database versions not stated): ExAC 0.00008; gnomAD exomes 0.00017 and 0.00018; TOPMed 0.00017; gnomAD 0.00020 and 0.00022.
gnomAD v4.1: 204 of 1,170,211 alleles (0.017%); highest among the groups gnomAD compares: African/African-American, 0.039%; no homozygotes.

Submissions (5):

Women's Health and Genetics/Laboratory Corporation of America, LabCorp
Classification: Likely benign. Last evaluated: 2026-06-16. Review status: criteria provided, single submitter. Criteria: LabCorp Variant Classification Summary - May 2015. Collection method: clinical testing. Allele origin: germline.

Labcorp Genetics (formerly Invitae), Labcorp
Classification: Benign for X-linked myopathy with postural muscle atrophy. Last evaluated: 2026-01-31. Review status: criteria provided, single submitter. Criteria: Invitae Variant Classification Sherloc (09022015). Collection method: clinical testing. Allele origin: germline.

Mayo Clinic Laboratories, Mayo Clinic
Classification: Likely benign. Last evaluated: 2025-03-04. Review status: criteria provided, single submitter. Criteria: ACMG Guidelines, 2015. Collection method: clinical testing. Allele origin: germline. Observed: 1 variant allele.
Comment: BS2, BP4, BP7

Blueprint Genetics
Classification: Likely benign. Last evaluated: 2024-03-12. Review status: criteria provided, single submitter. Criteria: ACMG Guidelines, 2015. Collection method: clinical testing. Allele origin: germline.

GeneDx
Classification: Likely benign. Last evaluated: 2021-05-28. Review status: criteria provided, single submitter. Criteria: GeneDx Variant Classification Process June 2021. Collection method: clinical testing. Allele origin: germline. Affected: yes.